The following is an entry in ClinVar:

ClinVar aggregate classification (germline): Uncertain significance. Review status: criteria provided, multiple submitters, no conflicts (2 of 4 stars). 2 submissions from 2 submitters: Uncertain significance (2). Last evaluated 2025-08-22.

Conditions:
Inborn genetic diseases. Identifiers: MedGen C0950123, MeSH D030342.

Allele frequency attached by ClinVar (database versions not stated): ExAC 0.00001; gnomAD 0.00001; gnomAD exomes 0.00001 and 0.00002; TOPMed 0.00003; ESP Exome Variant Server 0.00008.
gnomAD v4.1: 25 of 1,604,268 alleles (0.0016%); highest among the groups gnomAD compares: Admixed American, 0.0035%; no homozygotes.

Submissions (2):

Ambry Genetics
Classification: Uncertain significance for Inborn genetic diseases. Last evaluated: 2025-08-22. Review status: criteria provided, single submitter. Criteria: Ambry Variant Classification Scheme 2023. Collection method: clinical testing. Allele origin: germline.

GeneDx
Classification: Uncertain significance. Last evaluated: 2022-03-03. Review status: criteria provided, single submitter. Criteria: GeneDx Variant Classification Process June 2021. Collection method: clinical testing. Allele origin: germline. Affected: yes.
Comment: Not observed at a significant frequency in large population cohorts (gnomAD); In silico analysis supports that this missense variant does not alter protein structure/function; Has not been previously published as pathogenic or benign to our knowledge

NM_004447.6(EPS8):c.394A>G (p.Thr132Ala)

Gene: EPS8 (EGFR pathway substrate 8, signaling adaptor; minus strand). Cytogenetic location: 12p12.3.
Variant type: single nucleotide variant.
Coding change: c.394A>G on transcript NM_004447.6 (MANE Select); coding-DNA position 394, A replaced by G.
Protein change: p.Thr132Ala; replaces threonine 132 with alanine.
Molecular consequence: missense variant.
Genome position (GRCh38, 1-based): chr12:15,669,509, T>C on the plus strand (A>G on the coding strand, the complement: EPS8 is on the minus strand). VCF-style: chr12-15669509-T-C. GRCh37 (hg19) VCF-style: chr12-15822443-T-C.
Other names: short protein forms T132A.
Identifiers: ClinVar variation 1315056 (VCV001315056.4), dbSNP rs368365070, ClinGen allele CA6467873.
Genomic context (GRCh38, chr12:15,669,509, plus strand): 5'-CCAGTGCAAGAACTGAATCATAGCTGCATGAATGCATCACAGCTTGGCAGTGCTGGATTG[T>C]GTTTAAAGGAAAATTCTCCAGTTCATTCTATAAATAAAGTGAACATTTTATTTTGTCAAA-3'
Protein context (NP_004438.3, residues 122-142): KNELENFPLN[Thr132Ala]IQHCQAVMHS